The following is an entry in ClinVar:

ClinVar aggregate classification (germline): Uncertain significance. Review status: criteria provided, multiple submitters, no conflicts (2 of 4 stars). 2 submissions from 2 submitters: Uncertain significance (2). Last evaluated 2025-12-19.

Allele frequency attached by ClinVar (database versions not stated): gnomAD 0.00003; ExAC 0.00005; TOPMed 0.00005; gnomAD exomes 0.00007; ESP Exome Variant Server 0.00008.
gnomAD v4.1: 102 of 1,608,848 alleles (0.0063%); highest among the groups gnomAD compares: Admixed American, 0.012%; no homozygotes.

Submissions (2):

Labcorp Genetics (formerly Invitae), Labcorp
Classification: Uncertain significance. Last evaluated: 2025-12-19. Review status: criteria provided, single submitter. Criteria: Invitae Variant Classification Sherloc (09022015). Collection method: clinical testing. Allele origin: germline.
Comment: This sequence change replaces alanine, which is neutral and non-polar, with threonine, which is neutral and polar, at codon 605 of the SULF1 protein (p.Ala605Thr). This variant is present in population databases (rs144030540, gnomAD 0.01%). This variant has not been reported in the literature in individuals affected with SULF1-related conditions. ClinVar contains an entry for this variant (Variation ID: 2175532). An algorithm developed to predict the effect of missense changes on protein structure and function outputs the following: PolyPhen-2: "Benign". The threonine amino acid residue is found in multiple mammalian species, which suggests that this missense change does not adversely affect protein function. In summary, the available evidence is currently insufficient to determine the role of this variant in disease. Therefore, it has been classified as a Variant of Uncertain Significance.

Ambry Genetics
Classification: Uncertain significance. Last evaluated: 2025-08-06. Review status: criteria provided, single submitter. Criteria: Ambry Variant Classification Scheme 2023. Collection method: clinical testing. Allele origin: germline.

NM_001128205.2(SULF1):c.1813G>A (p.Ala605Thr)

Gene: SULF1 (sulfatase 1; plus strand). Cytogenetic location: 8q13.3.
Variant type: single nucleotide variant.
Coding change: c.1813G>A on transcript NM_001128205.2 (MANE Select); coding-DNA position 1813, G replaced by A.
Protein change: p.Ala605Thr; replaces alanine 605 with threonine.
Molecular consequence: missense variant. On other transcripts: non-coding transcript variant (3).
Genome position (GRCh38, 1-based): chr8:69,624,160, G>A. VCF-style: chr8-69624160-G-A. GRCh37 (hg19) VCF-style: chr8-70536395-G-A.
Other names: c.1813G>A (NM_001128205.1); c.1813G>A, p.Ala605Thr (NM_001128204.2, NM_001128206.2, NM_001412828.1 and 10 more transcripts); c.1684G>A, p.Ala562Thr (NM_001412832.1, NM_001412838.1, NM_001412839.1 and 1 more transcripts); c.1756G>A, p.Ala586Thr (NM_001412836.1, NM_001412837.1); c.1627G>A, p.Ala543Thr (NM_001412841.1, NM_001412842.1); c.1213G>A, p.Ala405Thr (NM_001412844.1, NM_001412845.1); c.22G>A, p.Ala8Thr (NM_001412846.1); short protein forms A405T, A586T, A605T, A562T, A543T, A8T.
Identifiers: ClinVar variation 2175532 (VCV002175532.6), dbSNP rs144030540, ClinGen allele CA4775970.